The following is an entry in ClinVar:

ClinVar aggregate classification (germline): Likely benign. Review status: criteria provided, multiple submitters, no conflicts (2 of 4 stars). 4 submissions from 4 submitters: Likely benign (4). Last evaluated 2024-09-03.

Conditions:
Joubert syndrome 17 (JBTS17). Identifiers: Orphanet 475, MedGen C3553264, MONDO:0013824, OMIM 614615.
Orofaciodigital syndrome type 6 (OFD6). Also called: OROFACIODIGITAL SYNDROME VI; OFDS VI; POLYDACTYLY, CLEFT LIP/PALATE OR LINGUAL LUMP, AND PSYCHOMOTOR RETARDATION; VARADI SYNDROME; VARADI-PAPP SYNDROME; Oral-facial-digital syndrome type 6. Identifiers: Orphanet 2754, MedGen C2745997, MONDO:0010176, OMIM 277170.

Allele frequency attached by ClinVar (database versions not stated): ExAC 0.00003; gnomAD exomes 0.00003 and 0.00013; TOPMed 0.00003; gnomAD 0.00004; ESP Exome Variant Server 0.00008.
gnomAD v4.1: 192 of 1,593,494 alleles (0.012%); highest among the groups gnomAD compares: Non-Finnish European, 0.016%; no homozygotes.

Submissions (4):

Blueprint Genetics
Classification: Likely benign. Last evaluated: 2024-09-03. Review status: criteria provided, single submitter. Criteria: ACMG Guidelines, 2015. Collection method: clinical testing. Allele origin: germline.

Labcorp Genetics (formerly Invitae), Labcorp
Classification: Likely benign. Last evaluated: 2024-03-24. Review status: criteria provided, single submitter. Criteria: Invitae Variant Classification Sherloc (09022015). Collection method: clinical testing. Allele origin: germline.

Fulgent Genetics
Classification: Likely benign for Orofaciodigital syndrome type 6; Joubert syndrome 17. Last evaluated: 2022-02-02. Review status: criteria provided, single submitter. Criteria: ACMG Guidelines, 2015. Collection method: clinical testing. Allele origin: unknown.

GeneDx
Classification: Likely benign. Last evaluated: 2018-02-09. Review status: criteria provided, single submitter. Criteria: GeneDx Variant Classification (06012015). Collection method: clinical testing. Allele origin: germline. Affected: yes.
Comment: This variant is considered likely benign or benign based on one or more of the following criteria: it is a conservative change, it occurs at a poorly conserved position in the protein, it is predicted to be benign by multiple in silico algorithms, and/or has population frequency not consistent with disease.

NM_001384732.1(CPLANE1):c.8120-6A>G

Gene: CPLANE1 (ciliogenesis and planar polarity effector complex subunit 1; minus strand). Cytogenetic location: 5p13.2.
Variant type: single nucleotide variant.
Coding change: c.8120-6A>G on transcript NM_001384732.1 (MANE Select); 6 bases into the intron before coding-DNA position 8120, A replaced by G.
Molecular consequence: intron variant.
Genome position (GRCh38, 1-based): chr5:37,153,999, T>C on the plus strand (A>G on the coding strand, the complement: CPLANE1 is on the minus strand). VCF-style: chr5-37153999-T-C. GRCh37 (hg19) VCF-style: chr5-37154101-T-C.
Other names: c.7958-6A>G (NM_023073.4).
Identifiers: ClinVar variation 515072 (VCV000515072.6), dbSNP rs373606578, ClinGen allele CA3237855.